The following continues an entry in ClinVar:

NM_007294.4(BRCA1):c.181T>G (p.Cys61Gly)

Gene: BRCA1. ClinVar aggregate classification (germline): Pathogenic. Pathogenic (1).

Submissions 13 to 22 of 77:

Dasa
Classification: Pathogenic for Breast-ovarian cancer, familial, susceptibility to, 1. Last evaluated: 2025-07-29. Review status: criteria provided, single submitter. Criteria: DASA Assertion Criteria. Collection method: clinical testing. Allele origin: germline. Not counted in ClinVar's aggregate classification.
Comment: NM_007294.4(BRCA1):c.181T>G (p.Cys61Gly) is a missense variant that results in the substitution of cysteine with glycine. Functional evidence supports a deleterious effect on the gene or gene product (PMID: 32741062; PMID: 30209399; PMID: 9525870; PMID: 11278247; PMID: 22172724). This variant has been recurrently observed in individuals with Breast-ovarian cancer, familial, susceptibility to, 1 (PMID: 32741062; PMID: 30209399; PMID: 9525870; PMID: 11278247; PMID: 22172724). Segregation evidence has been reported in affected families. Multiple computational predictions support a deleterious effect on the gene or gene product. The variant is present at low frequency in population datasets. Based on the available data, this variant is classified as pathogenic.

Helix
Classification: Pathogenic for Breast-ovarian cancer, familial, susceptibility to, 1. Last evaluated: 2025-07-25. Review status: criteria provided, single submitter. Criteria: ACMG Guidelines, 2015. Collection method: clinical testing. Allele origin: germline. Inheritance: Autosomal dominant inheritance. Not counted in ClinVar's aggregate classification.
Comment: This variant (NM_007294.4:c.181T>G p.Cys61Gly) results in the substitution of cysteine with glycine at codon 61 in the BRCA1 protein. This variant is also known as 300T>G. It is present in the non-cancer cohort of the gnomAD population database (PMID: 32461654) at the highest allele frequency in the European (non-Finnish) subpopulation among non-founder subpopulations (5/102510 alleles, 0.00488%). This has been described as a founder variant in the Eastern European subpopulation (PMID: 20569256, 20345474, 20507347). This variant has been observed in numerous individuals affected with BRCA1-related cancers (PMID: 7894493, 20180014, 28477318, 28324225, 29492181). Functional studies suggest that this variant may affect protein function (PMID: 23867111, 26689913). This variant is present in ClinVar (Accession: VCV000017661.140). In conclusion, this variant has been classified as Pathogenic.

Ambry Genetics
Classification: Pathogenic for Hereditary cancer-predisposing syndrome. Last evaluated: 2025-03-11. Review status: criteria provided, single submitter. Criteria: Ambry Variant Classification Scheme 2023. Collection method: clinical testing. Allele origin: germline. Not counted in ClinVar's aggregate classification.
Comment: The p.C61G pathogenic mutation (also known as c.181T>G), located in coding exon 3 of the BRCA1 gene, results from a T to G substitution at nucleotide position 181. The cysteine at codon 61 is replaced by glycine, an amino acid with highly dissimilar properties. The p.C61G mutation impacts a critical residue in the RING finger functional domain of BRCA1, represents a common mutation in European populations, and has been identified in patients with breast, ovarian, pancreatic, and prostate cancer (Gronwald J et al. J. Med. Genet. 2006 May;43:424-8; Janaviius R. EPMA J. 2010 Sep;1:397-412; Meisel C et al. Arch. Gynecol. Obstet. 2017 May;295:1227-1238; Brand R et al. Cancer. 2018 Sep;124:3520-3527; Ibrahim M et al. BMC Cancer. 2018 02;18:179). This alteration has been shown to cause defective homology-directed recombination DNA repair as well as defective single-strand annealing repair (Towler WI et al. Hum. Mutat. 2013 Mar;34:439-45). In addition, one functional study found that this nucleotide substitution is deleterious in a high throughput genome editing haploid cell survival assay (Findlay GM et al. Nature. 2018 10;562:217-222). This alteration has been classified as definitely pathogenic (p>0.99) by a multifactorial analysis, which integrates the following lines of evidence to produce a quantitative likelihood of pathogenicity: in silico prediction models, segregation with disease, tumor characteristics, and mutation co-occurrence (Easton DF et al. Am. J. Hum. Genet. 2007 Nov;81:873-83; Lindor NM et al. Hum. Mutat. 2012 Jan;33:8-21; Vallee MP et al. Hum. Mutat. 2012 Jan;33:22-8). Of note, this alteration is also designated as 300T>G in published literature. Based on the supporting evidence, this variant is interpreted as a disease-causing mutation.

Color Diagnostics, LLC DBA Color Health
Classification: Pathogenic for Hereditary cancer-predisposing syndrome. Last evaluated: 2025-03-10. Review status: criteria provided, single submitter. Criteria: ACMG Guidelines, 2015. Collection method: clinical testing. Allele origin: germline. Not counted in ClinVar's aggregate classification.
Comment: This missense variant replaces a conserved cysteine with glycine at codon 61 in the RING domain of the BRCA1 protein. Functional studies have shown that this variant disrupts BRCA1 function in numerous assays including binding to BARD1, homology-mediated DNA repair, complementation of Brca1-deficient mouse cells to cisplatin and in a haploid cell proliferation assay (PMID: 9525870, 11278247, 11320250, 18243530, 20103620, 23867111, 25823446, 30209399, 32546644). This variant is a common cause of breast and ovarian cancer in individuals, mostly of Eastern European ancestry (PMID: 10447273, 10788334, 11102977, 20345474, 20507347, 20569256, 29492181, 32341426, 32885271, 35464868) and endometrial cancer (PMID: 33484353) and has been shown to be a founder mutation in the Polish population by haplotype analysis (PMID: 19594371). This variant has been detected in a breast cancer case-control meta-analysis in 34/60466 cases and 4/53461 unaffected individuals with an OR=7.519 (95%CI 2.668 to 21.19) (PMID: 33471991; Leiden Open Variation Database DB-ID BRCA1_000050). A multifactorial analysis has reported a likelihood ratio for pathogenicity based on personal and family history of 5.517E+22 from log(LR)=22.742 for 56 carriers (PMID: 31853058). This variant has been identified in 8/250754 chromosomes in the general population by the Genome Aggregation Database (gnomAD). Based on the available evidence, this variant is classified as Pathogenic.

Laboratory of Genetics, Children's Clinical University Hospital Latvia
Classification: Pathogenic. Last evaluated: 2025-02-16. Review status: criteria provided, single submitter. Criteria: ACMG Guidelines, 2015. Collection method: clinical testing. Allele origin: germline. Affected: yes. Not counted in ClinVar's aggregate classification.

Blueprint Genetics
Classification: Pathogenic for BRCA1-related disorders. Last evaluated: 2024-11-23. Review status: criteria provided, single submitter. Criteria: ACMG Guidelines, 2015. Collection method: clinical testing. Allele origin: germline. Affected: yes. Observed: 5 variant alleles. Not counted in ClinVar's aggregate classification.

Revvity Omics, Revvity
Classification: Pathogenic. Last evaluated: 2024-11-22. Review status: criteria provided, single submitter. Criteria: ACMG Guidelines, 2015. Collection method: clinical testing. Allele origin: germline. Not counted in ClinVar's aggregate classification.

German Consortium for Hereditary Breast and Ovarian Cancer, University Hospital Cologne
Classification: Pathogenic for Hereditary breast ovarian cancer syndrome. Last evaluated: 2024-11-11. Review status: criteria provided, single submitter. Criteria: ClinGen BRCA1 V1.1.0. Collection method: curation. Allele origin: germline. Not counted in ClinVar's aggregate classification.
Comment: According to the ClinGen ENIGMA BRCA1 v1.1.0 criteria we chose these criteria: PS3 (strong pathogenic): Findlay 2018 LOF, Bouwman 2020 Deleterious , PS4 (strong pathogenic): Dorling 2021: 34/60466 cases 0/53461 controls ; 34 in 60466 case genotypes vs 1 in 53461 control genotypes gives an odds ratio of 30.08 (95%CI=4.12-219.73) PS4 Calculator, PP3 (supporting pathogenic): BayesDel_noAF = 0.565, PP4 (very strong pathogenic): Combined LR Score 5.51712e+22 (Lindor 2012)

3billion
Classification: Likely pathogenic for Breast-ovarian cancer, familial, susceptibility to, 1. Last evaluated: 2024-09-28. Review status: criteria provided, single submitter. Criteria: ACMG Guidelines, 2015. Collection method: clinical testing. Allele origin: germline. Affected: yes. Not counted in ClinVar's aggregate classification.
Comment: The variant is observed at an extremely low frequency in the gnomAD v4.1.0 dataset (total allele frequency: 0.002%). Predicted Consequence/Location: Missense variant. The majority of the known disease-causing variants of this gene are variants expected to result in premature termination of the protein. In silico tool predictions suggest damaging effect of the variant on gene or gene product [REVEL: 0.95 (>=0.6, sensitivity 0.68 and specificity 0.92); 3Cnet: 0.96 (>=0.6, sensitivity 0.72 and precision 0.9)]. The same nucleotide change resulting in the same amino acid change has been previously reported as pathogenic/likely pathogenic with strong evidence (ClinVar ID: VCV000017661 /PMID: 7894493). Different missense changes at the same codon (p.Cys61Arg, p.Cys61Ser, p.Cys61Trp, p.Cys61Tyr) have been reported as pathogenic/likely pathogenic with strong evidence (ClinVar ID: VCV000054359, VCV000054360, VCV000054364 /PMID: 19329713, 21232165, 35641994). Therefore, this variant is classified as Likely pathogenic according to the recommendation of ACMG/AMP guideline.

All of Us Research Program, National Institutes of Health
Classification: Pathogenic for BRCA1-related cancer predisposition. Last evaluated: 2024-07-29. Review status: criteria provided, single submitter. Criteria: ACMG Guidelines, 2015. Collection method: clinical testing. Allele origin: germline. Inheritance: Autosomal dominant inheritance. Observed: 13 variant alleles, 13 heterozygotes. Not counted in ClinVar's aggregate classification.
Comment: The c.181T>G (p.Cys61Gly) variant of BRCA1 has been detected in multiple individuals with breast and ovarian cancer (PMID: 7894493, 10447273, 10788334, 11102977, 19594371, 20180014, 20345474, 20507347, 20569256, 20180014, 21324516, 21503673, 21965345, 23695190, 24728189, 29492181) and prostate cancer (PMID: 27433846). Functional in vitro assays showed that this variant increases proteolytic susceptibility of the COOH-terminal portion of the NH2-terminal domain and perturbs the oligomerization properties of BRCA1 (PMID: 9525870), fails to reverse radiation hypersensitivity (PMID: 11320250), and damages ubiquitin ligase activity (PMID: 11278247). This variant has been reported in 7 non-Finnish Europeans from gnomAD. This variant occurs at high frequency in Eastern European countries and is considered a founder mutation in these countries (PMID: 20507347, 20345474). Cysteine at amino acid position 61 of the BRCA1 protein is highly conserved in mammals. While not validated for clinical use, computer-based algorithms predict this p.Cys61Gly change to be deleterious. Other changes affecting the same amino acid have been reported in individuals with breast and/or ovarian cancer (p.Cys61Arg, p.Cys61Ser, p.Cys61Tyr). This variant is classified as pathogenic.

This study involves interpretation of variants in research participants for the purpose of population health screening. Participant phenotype was not available at the time of variant classification. Additional details can be found in publication PMID: 35346344, PMCID: PMC8962531